The following is an entry in ClinVar:

NM_000465.4(BARD1):c.1315-2A>G

Gene: BARD1 (BRCA1 associated RING domain 1; minus strand). Cytogenetic location: 2q35.
Variant type: single nucleotide variant.
Coding change: c.1315-2A>G on transcript NM_000465.4 (MANE Select); the canonical splice acceptor site of the intron before coding-DNA position 1315, A replaced by G.
Molecular consequence: splice acceptor variant. On other transcripts: intron variant (3).
Genome position (GRCh38, 1-based): chr2:214,769,314, T>C on the plus strand (A>G on the coding strand, the complement: BARD1 is on the minus strand). VCF-style: chr2-214769314-T-C. GRCh37 (hg19) VCF-style: chr2-215634038-T-C.
Other names: c.159-16759A>G (NM_001282548.2); c.1258-2A>G (NM_001282543.2); c.216-16759A>G (NM_001282545.2); c.364+22983A>G (NM_001282549.2).
Identifiers: ClinVar variation 818882 (VCV000818882.12), dbSNP rs1316885634, ClinGen allele CA350450601.

ClinVar aggregate classification (germline): Conflicting classifications of pathogenicity. Review status: criteria provided, conflicting classifications (1 of 4 stars). 3 submissions from 3 submitters: Pathogenic (1); Uncertain significance (2). Last evaluated 2025-02-17.

Conditions:
Hereditary cancer-predisposing syndrome. Also called: Tumor predisposition; Hereditary neoplastic syndrome; Neoplastic Syndromes, Hereditary; Hereditary Cancer Syndrome. Identifiers: Orphanet 140162, MedGen C0027672, MeSH D009386, MONDO:0015356.
Familial cancer of breast. Also called: hereditary breast carcinoma; Hereditary breast cancer; BREAST CANCER, FAMILIAL. Identifiers: Orphanet 227535, MedGen C0346153, MONDO:0016419, OMIM 114480. Disease mechanism: loss of function.

Allele frequency attached by ClinVar (database versions not stated): gnomAD exomes below 0.00001; gnomAD 0.00001.
gnomAD v4.1: 2 of 1,611,026 alleles (0.00012%); highest among the groups gnomAD compares: Non-Finnish European, 0.00017%; no homozygotes.

Submissions (3):

Women's Health and Genetics/Laboratory Corporation of America, LabCorp
Classification: Uncertain significance. Last evaluated: 2025-02-17. Review status: criteria provided, single submitter. Criteria: LabCorp Variant Classification Summary - May 2015. Collection method: clinical testing. Allele origin: germline.
Comment: Variant summary: BARD1 c.1315-2A>G is located in a canonical splice-site and is predicted to affect mRNA splicing resulting in a significantly altered protein due to either exon skipping, shortening, or inclusion of intronic material. Variants that disrupt the consensus splice site are a relatively common cause of aberrant splicing and loss of BARD1 function. Several computational tools predict a significant impact on normal splicing: Four predict the variant abolishes a 3' acceptor site. Studies have shown that disruption of this splice site results in skipping of exon 5, but is expected to preserve the integrity of the reading-frame (Labcorp, formerly Invitae; Ratajska_2012). The variant allele was found at a frequency of 4e-06 in 251584 control chromosomes. The available data on variant occurrences in the general population are insufficient to allow any conclusion about variant significance. c.1315-2A>G has been reported in the literature in individuals affected with Breast Cancer (Ratajska_2012, Weber-Lassalle_2019). These data do not allow any conclusion about variant significance. The following publications have been ascertained in the context of this evaluation (PMID: 26083025, 28030839, 21344236, 31036035). ClinVar contains an entry for this variant (Variation ID: 818882). Based on the evidence outlined above, the variant was classified as uncertain significance.

Labcorp Genetics (formerly Invitae), Labcorp
Classification: Uncertain significance for Familial cancer of breast. Last evaluated: 2024-11-13. Review status: criteria provided, single submitter. Criteria: Invitae Variant Classification Sherloc (09022015). Collection method: clinical testing. Allele origin: germline.
Comment: This sequence change affects an acceptor splice site in intron 4 of the BARD1 gene. RNA analysis indicates that disruption of this splice site induces altered splicing and likely results in a shortened protein product. This variant is not present in population databases (gnomAD no frequency). Disruption of this splice site has been observed in individual(s) with breast cancer (PMID: 21344236, 31036035). ClinVar contains an entry for this variant (Variation ID: 818882). Studies have shown that disruption of this splice site results in skipping of exon 5, but is expected to preserve the integrity of the reading-frame (PMID: 21344236, 28030839; internal data). In summary, the available evidence is currently insufficient to determine the role of this variant in disease. Therefore, it has been classified as a Variant of Uncertain Significance.

Ambry Genetics
Classification: Pathogenic for Hereditary cancer-predisposing syndrome. Last evaluated: 2024-01-03. Review status: criteria provided, single submitter. Criteria: Ambry Variant Classification Scheme 2023. Collection method: clinical testing. Allele origin: germline.
Comment: The c.1315-2A>G intronic pathogenic mutation results from an A to G substitution two nucleotides upstream from coding exon 5 in the BARD1 gene. This alteration was seen in a high-risk breast cancer family, and RT-PCR analysis demonstrated skipping of exon 5 (Ratajska M et al. Breast Cancer Res. Treat., 2012 Jan;131:89-97). In addition to the clinical data presented in the literature, alterations that disrupt the canonical splice site are expected to cause aberrant splicing, resulting in an abnormal protein or a transcript that is subject to nonsense-mediated mRNA decay. As such, this alteration is classified as a disease-causing mutation.

Literature cited by the submitters: PubMed 21344236 (cited by 3 submitters); PubMed 26083025 (cited by Women's Health and Genetics/Laboratory Corporation of America, LabCorp); PubMed 28030839 (cited by Women's Health and Genetics/Laboratory Corporation of America, LabCorp and Labcorp Genetics (formerly Invitae), Labcorp); PubMed 31036035 (cited by Women's Health and Genetics/Laboratory Corporation of America, LabCorp and Labcorp Genetics (formerly Invitae), Labcorp).